The following is an entry in ClinVar:

NM_002900.3(RBP3):c.500T>C (p.Leu167Pro)

Gene: RBP3 (retinol binding protein 3; plus strand). Cytogenetic location: 10q11.22.
Variant type: single nucleotide variant.
Coding change: c.500T>C on transcript NM_002900.3 (MANE Select); coding-DNA position 500, T replaced by C.
Protein change: p.Leu167Pro; replaces leucine 167 with proline.
Molecular consequence: missense variant.
Genome position (GRCh38, 1-based): chr10:47,348,984, T>C. VCF-style: chr10-47348984-T-C. GRCh37 (hg19) VCF-style: chr10-48390378-A-G.
Other names: short protein forms L167P.
Identifiers: ClinVar variation 2127439 (VCV002127439.4), dbSNP rs895832185, ClinGen allele CA206460217.

ClinVar aggregate classification (germline): Uncertain significance (1 of 4 stars; one submission).

Allele frequency attached by ClinVar (database versions not stated): gnomAD 0.00001.
gnomAD v4.1: 1 of 1,613,870 alleles (0.000062%); highest among the groups gnomAD compares: African/African-American, 0.0013%; no homozygotes.

Submission:

Labcorp Genetics (formerly Invitae), Labcorp
Classification: Uncertain significance. Last evaluated: 2022-07-29. Review status: criteria provided, single submitter. Criteria: Invitae Variant Classification Sherloc (09022015). Collection method: clinical testing. Allele origin: germline.
Comment: In summary, the available evidence is currently insufficient to determine the role of this variant in disease. Therefore, it has been classified as a Variant of Uncertain Significance. This sequence change replaces leucine, which is neutral and non-polar, with proline, which is neutral and non-polar, at codon 167 of the RBP3 protein (p.Leu167Pro). This variant is not present in population databases (gnomAD no frequency). This variant has not been reported in the literature in individuals affected with RBP3-related conditions. Algorithms developed to predict the effect of missense changes on protein structure and function (SIFT, PolyPhen-2, Align-GVGD) all suggest that this variant is likely to be disruptive.